The following is an entry in ClinVar:

ClinVar aggregate classification (germline): Uncertain significance (1 of 4 stars; one submission).

Conditions:
Hereditary breast ovarian cancer syndrome. Also called: Hereditary breast and/or ovarian cancer syndrome; Hereditary breast and ovarian cancer; Hereditary breast and ovarian cancer syndrome; Breast and ovarian cancer; Hereditary breast and ovarian cancer syndrome (HBOC); BRCA1- and BRCA2-Associated Hereditary Breast and Ovarian Cancer. Identifiers: Orphanet 145, MedGen C0677776, MeSH D061325, MONDO:0003582. Disease mechanism: loss of function.

Submission:

Labcorp Genetics (formerly Invitae), Labcorp
Classification: Uncertain significance for Hereditary breast ovarian cancer syndrome. Last evaluated: 2023-02-03. Review status: criteria provided, single submitter. Criteria: Invitae Variant Classification Sherloc (09022015). Collection method: clinical testing. Allele origin: germline.
Comment: In summary, the available evidence is currently insufficient to determine the role of this variant in disease. Therefore, it has been classified as a Variant of Uncertain Significance. Advanced modeling of protein sequence and biophysical properties (such as structural, functional, and spatial information, amino acid conservation, physicochemical variation, residue mobility, and thermodynamic stability) performed at Invitae indicates that this missense variant is not expected to disrupt BRCA2 protein function. This variant has not been reported in the literature in individuals affected with BRCA2-related conditions. This variant is not present in population databases (gnomAD no frequency). This sequence change replaces threonine, which is neutral and polar, with asparagine, which is neutral and polar, at codon 2403 of the BRCA2 protein (p.Thr2403Asn).

NM_000059.4(BRCA2):c.7208C>A (p.Thr2403Asn)

Gene: BRCA2 (BRCA2 DNA repair associated; plus strand). Cytogenetic location: 13q13.1.
Variant type: single nucleotide variant.
Coding change: c.7208C>A on transcript NM_000059.4 (MANE Select); coding-DNA position 7208, C replaced by A.
Protein change: p.Thr2403Asn; replaces threonine 2403 with asparagine.
Molecular consequence: missense variant. On other transcripts: non-coding transcript variant (1).
Genome position (GRCh38, 1-based): chr13:32,355,061, C>A. VCF-style: chr13-32355061-C-A. GRCh37 (hg19) VCF-style: chr13-32929198-C-A.
Other names: c.7112C>A, p.Thr2371Asn (NM_001406719.1); c.7208C>A, p.Thr2403Asn (NM_001406720.1); c.2276C>A, p.Thr759Asn (NM_001406721.1); c.791C>A, p.Thr264Asn (NM_001406722.1); short protein forms T2403N, T2371N, T759N, T264N.
Identifiers: ClinVar variation 2825588 (VCV002825588.3), dbSNP rs878853600, ClinGen allele CA387739947.
Genomic context (GRCh38, chr13:32,355,061, plus strand): 5'-ATCAAGTTTCTGCTACAAGAAATGAAAAAATGAGACACTTGATTACTACAGGCAGACCAA[C>A]CAAAGTCTTTGTTCCACCTTTTAAAACTAAATCACATTTTCACAGAGTTGAACAGTGTGT-3'
Protein context (NP_000050.3, residues 2393-2413): MRHLITTGRP[Thr2403Asn]KVFVPPFKTK